The following is an entry in ClinVar:

NM_004187.5(KDM5C):c.478A>G (p.Ile160Val)

Gene: KDM5C (lysine demethylase 5C; minus strand). Cytogenetic location: Xp11.22.
Variant type: single nucleotide variant.
Coding change: c.478A>G on transcript NM_004187.5 (MANE Select); coding-DNA position 478, A replaced by G.
Protein change: p.Ile160Val; replaces isoleucine 160 with valine.
Molecular consequence: missense variant. On other transcripts: non-coding transcript variant (3).
Genome position (GRCh38, 1-based): chrX:53,217,840, T>C on the plus strand (A>G on the coding strand, the complement: KDM5C is on the minus strand). VCF-style: chrX-53217840-T-C. GRCh37 (hg19) VCF-style: chrX-53247022-T-C.
Other names: c.277A>G, p.Ile93Val (NM_001146702.2); c.478A>G, p.Ile160Val (NM_001282622.3, NM_001353978.3, NM_001353979.2 and 3 more transcripts); short protein forms I160V, I93V.
Identifiers: ClinVar variation 1208809 (VCV001208809.3), dbSNP rs2146950335, ClinGen allele CA413130693.

ClinVar aggregate classification (germline): Uncertain significance (1 of 4 stars; one submission).

Submission:

GeneDx
Classification: Uncertain significance. Last evaluated: 2020-12-30. Review status: criteria provided, single submitter. Criteria: GeneDx Variant Classification Process June 2021. Collection method: clinical testing. Allele origin: germline. Affected: yes.
Comment: Not observed in large population cohorts (Lek et al., 2016); In silico analysis supports that this missense variant does not alter protein structure/function; Has not been previously published as pathogenic or benign to our knowledge